The following is an entry in ClinVar:

NM_182972.3(IRF2BP2):c.598C>T (p.Pro200Ser)

Genes: IRF2BP2 (interferon regulatory factor 2 binding protein 2; minus strand), LOC129932811 (ATAC-STARR-seq lymphoblastoid silent region 1976; plus strand). Cytogenetic location: 1q42.3.
Variant type: single nucleotide variant.
Coding change: c.598C>T on transcript NM_182972.3 (MANE Select); coding-DNA position 598, C replaced by T.
Protein change: p.Pro200Ser; replaces proline 200 with serine.
Molecular consequence: missense variant.
Genome position (GRCh38, 1-based): chr1:234,608,897, G>A on the plus strand (C>T on the coding strand, the complement: IRF2BP2 is on the minus strand). VCF-style: chr1-234608897-G-A. GRCh37 (hg19) VCF-style: chr1-234744643-G-A.
Other names: c.598C>T, p.Pro200Ser (NM_001077397.1); short protein forms P200S.
Identifiers: ClinVar variation 3681180 (VCV003681180.2).

ClinVar aggregate classification (germline): Uncertain significance (1 of 4 stars; one submission).

Submission:

Labcorp Genetics (formerly Invitae), Labcorp
Classification: Uncertain significance. Last evaluated: 2024-06-09. Review status: criteria provided, single submitter. Criteria: Invitae Variant Classification Sherloc (09022015). Collection method: clinical testing. Allele origin: germline.
Comment: This sequence change replaces proline, which is neutral and non-polar, with serine, which is neutral and polar, at codon 200 of the IRF2BP2 protein (p.Pro200Ser). This variant is not present in population databases (gnomAD no frequency). This variant has not been reported in the literature in individuals affected with IRF2BP2-related conditions. An algorithm developed to predict the effect of missense changes on protein structure and function (PolyPhen-2) suggests that this variant is likely to be disruptive. In summary, the available evidence is currently insufficient to determine the role of this variant in disease. Therefore, it has been classified as a Variant of Uncertain Significance.